The following is an entry in ClinVar:

ClinVar aggregate classification (germline): Conflicting classifications of pathogenicity. Review status: criteria provided, conflicting classifications (1 of 4 stars). 11 submissions from 11 submitters: Uncertain significance (3); Likely benign (7). 1 of the submissions does not count toward it. Last evaluated 2026-06-01.

Conditions:
Autoinflammatory syndrome. Identifiers: Orphanet 93665, MedGen C3890737, MONDO:0019751.
Chédiak-Higashi syndrome (CHS). Also called: Chediak-Higashi Syndrome. Identifiers: Orphanet 167, MedGen C0007965, MONDO:0008963, OMIM 214500.
LYST-related disorder. Also called: LYST-related condition.

Allele frequency attached by ClinVar (database versions not stated): 1000 Genomes Project 0.00060; 1000 Genomes Project 30x 0.00062; ExAC 0.00216; gnomAD exomes 0.00244 and 0.00428; gnomAD 0.00258 and 0.00276; ESP Exome Variant Server 0.00261; TOPMed 0.00275.
gnomAD v4.1: 6,560 of 1,613,680 alleles (0.41%); highest among the groups gnomAD compares: Non-Finnish European, 0.52%; 16 homozygotes.

Submissions (11):

CeGaT Center for Human Genetics Tuebingen
Classification: Likely benign. Last evaluated: 2026-06-01. Review status: criteria provided, single submitter. Criteria: CeGaT Center For Human Genetics Tuebingen Variant Classification Criteria Version 2. Collection method: clinical testing. Allele origin: germline. Affected: yes. Observed: 7 variant alleles.
Comment: LYST: BS2

Labcorp Genetics (formerly Invitae), Labcorp
Classification: Likely benign for Chédiak-Higashi syndrome. Last evaluated: 2026-02-02. Review status: criteria provided, single submitter. Criteria: Invitae Variant Classification Sherloc (09022015). Collection method: clinical testing. Allele origin: germline.

Mayo Clinic Laboratories, Mayo Clinic
Classification: Likely benign. Last evaluated: 2025-07-17. Review status: criteria provided, single submitter. Criteria: ACMG Guidelines, 2015. Collection method: clinical testing. Allele origin: germline. Observed: 20 variant alleles.
Comment: BS1, BP4_moderate

Blueprint Genetics
Classification: Likely benign. Last evaluated: 2024-11-25. Review status: criteria provided, single submitter. Criteria: ACMG Guidelines, 2015. Collection method: clinical testing. Allele origin: germline.

Women's Health and Genetics/Laboratory Corporation of America, LabCorp
Classification: Likely benign. Last evaluated: 2024-09-25. Review status: criteria provided, single submitter. Criteria: LabCorp Variant Classification Summary - May 2015. Collection method: clinical testing. Allele origin: germline.
Comment: Variant summary: LYST c.8913T>G (p.Asn2971Lys) results in a non-conservative amino acid change in the encoded protein sequence. Three of five in-silico tools predict a damaging effect of the variant on protein function. The variant allele was found at a frequency of 0.0024 in 251384 control chromosomes, predominantly at a frequency of 0.0044 within the Non-Finnish European subpopulation in the gnomAD database. The observed variant frequency within Non-Finnish European control individuals in the gnomAD database is approximately 4 fold of the estimated maximal expected allele frequency for a pathogenic variant in LYST causing Chediak-Higashi Syndrome phenotype (0.0011). c.8913T>G has been reported in the literature in settings of whole exome or multigene panel testing in individuals affected with clinical features that have been reported in Chediak-Higashi Syndrome, including cerebellar ataxia, reported as a VUS with compound heterozygous genotype (e.g.Coutelier_2018), fatal H1N1, reported as a VUS in a heterozygous genotype (e.g. Schulert_2016), unspecified inherited bleeding disorder with unspecified genotype (e.g. Leinoe_2017), and unclassified neuroinflammatory disease with isolated incidence of hemiplegia and ataxia as a compound heterozygous genotype with variants in multiple neuroinflammatory genes (e.g.McCreary_2019). These reports do not provide unequivocal conclusions about association of the variant with Chediak-Higashi Syndrome. To our knowledge, no experimental evidence demonstrating an impact on protein function has been reported. The following publications have been ascertained in the context of this evaluation (PMID: 28748566, 29482223, 31664448, 26597256). ClinVar contains an entry for this variant (Variation ID: 525179). Based on the evidence outlined above, the variant was classified as likely benign.

Center for Genomics, Ann and Robert H. Lurie Children's Hospital of Chicago
Classification: Likely benign for Chédiak-Higashi syndrome. Last evaluated: 2022-08-30. Review status: criteria provided, single submitter. Criteria: ACMG Guidelines, 2015. Collection method: clinical testing. Allele origin: germline.
Comment: LYST NM_000081.3 exon 35 p.Asn2971Lys (c.8913T>G): This variant has been reported in the literature in at least 1 individual with cerebellar ataxia (Coutelier 2018 PMID:29482223). This variant is present in 0.4% (580/129120) of European alleles in the Genome Aggregation Database. This variant is present in ClinVar (Variation ID:525179). Evolutionary conservation suggests that this variant may impact the protein; computational predictive tools for this variant are unclear. In summary, data on this variant is insufficient for disease classification. Therefore, the clinical significance of this variant is uncertain.

Genetic Services Laboratory, University of Chicago
Classification: Uncertain significance. Last evaluated: 2021-06-08. Review status: criteria provided, single submitter. Criteria: ACMG Guidelines, 2015. Collection method: clinical testing. Allele origin: germline. Affected: no.

GeneDx
Classification: Likely benign. Last evaluated: 2019-11-27. Review status: criteria provided, single submitter. Criteria: GeneDx Variant Classification Process June 2021. Collection method: clinical testing. Allele origin: germline. Affected: yes.
Comment: Identified as a single heterozygous variant in two individuals with fatal H1N1 influenza and identified with another LYST variant in another individual with cerebellar ataxia, but limited phenotypic information was provided on these individuals (Schulert et al., 2016; Coutelier et al., 2018); In silico analysis, which includes protein predictors and evolutionary conservation, supports that this variant does not alter protein structure/function; This variant is associated with the following publications: (PMID: 29482223, 26597256)

Genome Diagnostics Laboratory, The Hospital for Sick Children
Classification: Uncertain significance for Autoinflammatory syndrome. Last evaluated: 2019-06-01. Review status: criteria provided, single submitter. Criteria: ACMG Guidelines, 2015. Collection method: clinical testing. Allele origin: germline. Affected: yes.

Illumina Laboratory Services, Illumina
Classification: Uncertain significance for Chédiak-Higashi syndrome. Last evaluated: 2017-04-27. Review status: criteria provided, single submitter. Criteria: ICSL Variant Classification Criteria 13 December 2019. Collection method: clinical testing. Allele origin: germline.
Comment: This variant was observed as part of a predisposition screen in an ostensibly healthy population. A literature search was performed for the gene, cDNA change, and amino acid change (where applicable). Publications were found based on this search. However, the evidence from the literature, in combination with allele frequency data from public databases where available, was not sufficient to rule this variant in or out of causing disease. Therefore, this variant is classified as a variant of unknown significance.

PreventionGenetics, part of Exact Sciences
Classification: Likely benign for LYST-related condition. Last evaluated: 2021-05-12. Review status: no assertion criteria provided. Collection method: clinical testing. Allele origin: germline. Not counted in ClinVar's aggregate classification.
Comment: This variant is classified as likely benign based on ACMG/AMP sequence variant interpretation guidelines (Richards et al. 2015 PMID: 25741868, with internal and published modifications).

Literature cited by the submitters: PubMed 38937141 (cited by Mayo Clinic Laboratories, Mayo Clinic); PubMed 28748566 (cited by Women's Health and Genetics/Laboratory Corporation of America, LabCorp); PubMed 29482223 (cited by Women's Health and Genetics/Laboratory Corporation of America, LabCorp); PubMed 31664448 (cited by Women's Health and Genetics/Laboratory Corporation of America, LabCorp); PubMed 26597256 (cited by Women's Health and Genetics/Laboratory Corporation of America, LabCorp and Illumina Laboratory Services, Illumina).

NM_000081.4(LYST):c.8913T>G (p.Asn2971Lys)

Gene: LYST (lysosomal trafficking regulator; minus strand). Cytogenetic location: 1q42.3.
Variant type: single nucleotide variant.
Coding change: c.8913T>G on transcript NM_000081.4 (MANE Select); coding-DNA position 8913, T replaced by G.
Protein change: p.Asn2971Lys; replaces asparagine 2971 with lysine.
Molecular consequence: missense variant.
Genome position (GRCh38, 1-based): chr1:235,731,066, A>C on the plus strand (T>G on the coding strand, the complement: LYST is on the minus strand). VCF-style: chr1-235731066-A-C. GRCh37 (hg19) VCF-style: chr1-235894366-A-C.
Other names: c.8913T>G, p.Asn2971Lys (NM_001301365.1); short protein forms N2971K.
Identifiers: ClinVar variation 525179 (VCV000525179.76), dbSNP rs34702903, ClinGen allele CA1465729.
Genomic context (GRCh38, chr1:235,731,066, plus strand): 5'-ATGTTGAGTCAAGAAGCCACTATTACCTTCTGATTTCTGTCTATCCCTAAGGAGATACTT[A>C]TTTGGAATAGTTAAATAACATCTCTGTAAACGTCTCCTCTCTCGATTTGGCCCTTCTGTT-3'
Protein context (NP_000072.2, residues 2961-2981): RLQRCYLTIP[Asn2971Lys]KYLLRDRQKS